The following is an entry in ClinVar:

NM_005157.6(ABL1):c.1897G>A (p.Ala633Thr)

Gene: ABL1 (ABL proto-oncogene 1, non-receptor tyrosine kinase; plus strand). Cytogenetic location: 9q34.12.
Variant type: single nucleotide variant.
Coding change: c.1897G>A on transcript NM_005157.6 (MANE Select); coding-DNA position 1897, G replaced by A.
Protein change: p.Ala633Thr; replaces alanine 633 with threonine.
Molecular consequence: missense variant.
Genome position (GRCh38, 1-based): chr9:130,884,187, G>A. VCF-style: chr9-130884187-G-A. GRCh37 (hg19) VCF-style: chr9-133759574-G-A.
Other names: c.1954G>A, p.Ala652Thr (NM_007313.3); short protein forms A652T, A633T.
Identifiers: ClinVar variation 3680636 (VCV003680636.2).

ClinVar aggregate classification (germline): Uncertain significance (1 of 4 stars; one submission).

Submission:

Labcorp Genetics (formerly Invitae), Labcorp
Classification: Uncertain significance. Last evaluated: 2024-05-27. Review status: criteria provided, single submitter. Criteria: Invitae Variant Classification Sherloc (09022015). Collection method: clinical testing. Allele origin: germline.
Comment: This sequence change replaces alanine, which is neutral and non-polar, with threonine, which is neutral and polar, at codon 652 of the ABL1 protein (p.Ala652Thr). This variant is not present in population databases (gnomAD no frequency). This variant has not been reported in the literature in individuals affected with ABL1-related conditions. Advanced modeling of protein sequence and biophysical properties (such as structural, functional, and spatial information, amino acid conservation, physicochemical variation, residue mobility, and thermodynamic stability) performed at Invitae indicates that this missense variant is not expected to disrupt ABL1 protein function with a negative predictive value of 95%. In summary, the available evidence is currently insufficient to determine the role of this variant in disease. Therefore, it has been classified as a Variant of Uncertain Significance.